The following is an entry in ClinVar:

ClinVar aggregate classification (germline): Uncertain significance. Review status: criteria provided, multiple submitters, no conflicts (2 of 4 stars). 3 submissions from 3 submitters: Uncertain significance (3). Last evaluated 2025-11-20.

Conditions:
Inborn genetic diseases. Identifiers: MedGen C0950123, MeSH D030342.
Pontocerebellar hypoplasia type 9. Identifiers: Orphanet 369920, MedGen C4014354, MONDO:0014351, OMIM 615809.
Hereditary spastic paraplegia 63. Also called: Spastic paraplegia 63, autosomal recessive. Identifiers: Orphanet 401805, MedGen C3810295, MONDO:0014305, OMIM 615686.

Allele frequency attached by ClinVar (database versions not stated): gnomAD exomes 0.00001 and 0.00002; ExAC 0.00001; TOPMed 0.00001.
gnomAD v4.1: 15 of 1,613,008 alleles (0.00093%); highest among the groups gnomAD compares: Non-Finnish European, 0.0011%; no homozygotes.

Submissions (3):

Ambry Genetics
Classification: Uncertain significance for Inborn genetic diseases. Last evaluated: 2025-11-20. Review status: criteria provided, single submitter. Criteria: Ambry Variant Classification Scheme 2023. Collection method: clinical testing. Allele origin: germline.

Fulgent Genetics
Classification: Uncertain significance for Hereditary spastic paraplegia 63; Pontocerebellar hypoplasia type 9. Last evaluated: 2024-05-09. Review status: criteria provided, single submitter. Criteria: ACMG Guidelines, 2015. Collection method: clinical testing. Allele origin: germline.

Labcorp Genetics (formerly Invitae), Labcorp
Classification: Uncertain significance for Pontocerebellar hypoplasia type 9; Hereditary spastic paraplegia 63. Last evaluated: 2017-02-07. Review status: criteria provided, single submitter. Criteria: Invitae Variant Classification Sherloc (09022015). Collection method: clinical testing. Allele origin: germline.
Comment: In summary, this variant is a rare missense change that is not predicted to affect protein function. There is no indication that it causes disease, but the available evidence is currently insufficient to prove that conclusively. Therefore, it has been classified as a Variant of Uncertain Significance. Algorithms developed to predict the effect of missense changes on protein structure and function (SIFT, PolyPhen-2, Align-GVGD) all suggest that this variant is likely to be tolerated, but these predictions have not been confirmed by published functional studies. This variant is present in population databases (rs749918422, ExAC 0.002%) but has not been reported in the literature in individuals with a AMPD2-related disease. This sequence change replaces leucine with valine at codon 90 of the AMPD2 protein (p.Leu90Val). The leucine residue is moderately conserved and there is a small physicochemical difference between leucine and valine.

NM_001368809.2(AMPD2):c.106C>G (p.Leu36Val)

Gene: AMPD2 (adenosine monophosphate deaminase 2; plus strand). Cytogenetic location: 1p13.3.
Variant type: single nucleotide variant.
Coding change: c.106C>G on transcript NM_001368809.2 (MANE Select); coding-DNA position 106, C replaced by G.
Protein change: p.Leu36Val; replaces leucine 36 with valine.
Molecular consequence: missense variant. On other transcripts: 5 prime UTR variant (1), intron variant (1).
Genome position (GRCh38, 1-based): chr1:109,625,317, C>G. VCF-style: chr1-109625317-C-G. GRCh37 (hg19) VCF-style: chr1-110167939-C-G.
Other names: c.268C>G (NM_001257360.1, NM_004037.6); c.-87C>G (NM_001257361.2); c.106C>G, p.Leu36Val (NM_004037.9); c.25C>G, p.Leu9Val (NM_139156.4); c.160-345C>G (NM_001308170.1); short protein forms L9V, L36V.
Identifiers: ClinVar variation 474997 (VCV000474997.9), dbSNP rs749918422, ClinGen allele CA992675.
Genomic context (GRCh38, chr1:109,625,317, plus strand): 5'-GGGGCTGCCCCTCCACCCTTTGACCCTGGCATCACTGTCTCTGCAGAGGCTCGGGGTGGT[C>G]TGGGGGCCCCTCCGCTGCAGTCTGCCCGATCCCTGCCGGGCCCCGCCCCCTGCCTCAAGC-3'
Protein context (NP_001355738.1, residues 26-46): STAAPEARGG[Leu36Val]GAPPLQSARS